The following is an entry in ClinVar:

ClinVar aggregate classification (germline): Uncertain significance (1 of 4 stars; one submission).

Submission:

Labcorp Genetics (formerly Invitae), Labcorp
Classification: Uncertain significance. Last evaluated: 2023-06-13. Review status: criteria provided, single submitter. Criteria: Invitae Variant Classification Sherloc (09022015). Collection method: clinical testing. Allele origin: germline.
Comment: This sequence change replaces glycine, which is neutral and non-polar, with arginine, which is basic and polar, at codon 4233 of the LRP2 protein (p.Gly4233Arg). This variant is not present in population databases (gnomAD no frequency). This variant has not been reported in the literature in individuals affected with LRP2-related conditions. ClinVar contains an entry for this variant (Variation ID: 1523530). Advanced modeling of protein sequence and biophysical properties (such as structural, functional, and spatial information, amino acid conservation, physicochemical variation, residue mobility, and thermodynamic stability) performed at Invitae indicates that this missense variant is expected to disrupt LRP2 protein function. In summary, the available evidence is currently insufficient to determine the role of this variant in disease. Therefore, it has been classified as a Variant of Uncertain Significance.

NM_004525.3(LRP2):c.12697G>C (p.Gly4233Arg)

Gene: LRP2 (LDL receptor related protein 2; minus strand). Cytogenetic location: 2q31.1.
Variant type: single nucleotide variant.
Coding change: c.12697G>C on transcript NM_004525.3 (MANE Select); coding-DNA position 12697, G replaced by C.
Protein change: p.Gly4233Arg; replaces glycine 4233 with arginine.
Molecular consequence: missense variant.
Genome position (GRCh38, 1-based): chr2:169,146,853, C>G on the plus strand (G>C on the coding strand, the complement: LRP2 is on the minus strand). VCF-style: chr2-169146853-C-G. GRCh37 (hg19) VCF-style: chr2-170003363-C-G.
Other names: short protein forms G4233R.
Identifiers: ClinVar variation 1523530 (VCV001523530.8), dbSNP rs2105348542, ClinGen allele CA349129970.